The following is an entry in ClinVar:

ClinVar aggregate classification (germline): Uncertain significance (1 of 4 stars; one submission).

Submission:

Labcorp Genetics (formerly Invitae), Labcorp
Classification: Uncertain significance. Last evaluated: 2021-06-10. Review status: criteria provided, single submitter. Criteria: Invitae Variant Classification Sherloc (09022015). Collection method: clinical testing. Allele origin: germline.
Comment: In summary, the available evidence is currently insufficient to determine the role of this variant in disease. Therefore, it has been classified as a Variant of Uncertain Significance. Experimental studies and prediction algorithms are not available or were not evaluated, and the functional significance of this variant is currently unknown. This variant has not been reported in the literature in individuals with LTBP4-related conditions. This variant is not present in population databases (ExAC no frequency). This sequence change replaces serine with proline at codon 1301 of the LTBP4 protein (p.Ser1301Pro). The serine residue is highly conserved and there is a moderate physicochemical difference between serine and proline.

NM_001042545.2(LTBP4):c.3811T>C (p.Ser1271Pro)

Gene: LTBP4 (latent transforming growth factor beta binding protein 4; plus strand). Cytogenetic location: 19q13.2.
Variant type: single nucleotide variant.
Coding change: c.3811T>C on transcript NM_001042545.2 (MANE Select); coding-DNA position 3811, T replaced by C.
Protein change: p.Ser1271Pro; replaces serine 1271 with proline.
Molecular consequence: missense variant.
Genome position (GRCh38, 1-based): chr19:40,624,061, T>C. VCF-style: chr19-40624061-T-C. GRCh37 (hg19) VCF-style: chr19-41129966-T-C.
Other names: c.4012T>C, p.Ser1338Pro (NM_001042544.1); c.3901T>C, p.Ser1301Pro (NM_003573.2); short protein forms S1338P, S1271P, S1301P.
Identifiers: ClinVar variation 1358838 (VCV001358838.6), dbSNP rs2146046331, ClinGen allele CA405908501.
Genomic context (GRCh38, chr19:40,624,061, plus strand): 5'-TCTTATCACTGTACCTGCGAGCCCCCACTGGTGCTGGATGGCTCGCAGCGCCGCTGCGTC[T>C]CCAACGAGAGCCAGAGCCTCGGTAACCCCGCCCACGCCATCCAGGCCCTCCTTCCCTTGG-3'
Protein context (NP_001036010.1, residues 1261-1281): VLDGSQRRCV[Ser1271Pro]NESQSLDDNL